The following is an entry in ClinVar:

ClinVar aggregate classification (germline): Uncertain significance (1 of 4 stars; one submission).

Conditions:
Developmental and epileptic encephalopathy, 25 (DEE25). Also called: Developmental and epileptic encephalopathy 25, with amelogenesis imperfecta; Epileptic encephalopathy, early infantile, 25, with amelogenesis imperfecta; Epileptic encephalopathy, early infantile, 25. Identifiers: Orphanet 442835, MedGen C4014621, MONDO:0014392, OMIM 615905.

Allele frequency attached by ClinVar (database versions not stated): TOPMed 0.00002.

Submission:

Labcorp Genetics (formerly Invitae), Labcorp
Classification: Uncertain significance for Developmental and epileptic encephalopathy, 25. Last evaluated: 2022-06-10. Review status: criteria provided, single submitter. Criteria: Invitae Variant Classification Sherloc (09022015). Collection method: clinical testing. Allele origin: germline.
Comment: In summary, the available evidence is currently insufficient to determine the role of this variant in disease. Therefore, it has been classified as a Variant of Uncertain Significance. Algorithms developed to predict the effect of missense changes on protein structure and function (SIFT, PolyPhen-2, Align-GVGD) all suggest that this variant is likely to be tolerated. This variant has not been reported in the literature in individuals affected with SLC13A5-related conditions. This variant is not present in population databases (gnomAD no frequency). This sequence change replaces isoleucine, which is neutral and non-polar, with phenylalanine, which is neutral and non-polar, at codon 317 of the SLC13A5 protein (p.Ile317Phe).

NM_177550.5(SLC13A5):c.949A>T (p.Ile317Phe)

Gene: SLC13A5 (solute carrier family 13 member 5; minus strand). Cytogenetic location: 17p13.1.
Variant type: single nucleotide variant.
Coding change: c.949A>T on transcript NM_177550.5 (MANE Select); coding-DNA position 949, A replaced by T.
Protein change: p.Ile317Phe; replaces isoleucine 317 with phenylalanine.
Molecular consequence: missense variant.
Genome position (GRCh38, 1-based): chr17:6,695,832, T>A on the plus strand (A>T on the coding strand, the complement: SLC13A5 is on the minus strand). VCF-style: chr17-6695832-T-A. GRCh37 (hg19) VCF-style: chr17-6599151-T-A.
Other names: c.949A>T, p.Ile317Phe (NM_001143838.3); c.898A>T, p.Ile300Phe (NM_001284509.2); c.820A>T, p.Ile274Phe (NM_001284510.2); short protein forms I300F, I274F, I317F.
Identifiers: ClinVar variation 2202314 (VCV002202314.4), dbSNP rs1315824408, ClinGen allele CA397744392.
Genomic context (GRCh38, chr17:6,695,832, plus strand): 5'-AGCCGGGGTCTCGGGAGAACCACAGGATGACCAGCAGGAAGAAGCAGATCAGCACGTTGA[T>A]CTCCGCGAAGGACAAGGGCCCCAGCTTCCGGTACTCCTCCTGCAGCACCTTGAGGGCAGC-3'
Protein context (NP_808218.1, residues 307-327): RKLGPLSFAE[Ile317Phe]NVLICFFLLV